The following is an entry in ClinVar:

ClinVar aggregate classification (germline): Likely benign. Review status: criteria provided, multiple submitters, no conflicts (2 of 4 stars). 2 submissions from 2 submitters: Likely benign (2). Last evaluated 2025-06-01.

Allele frequency attached by ClinVar (database versions not stated): gnomAD 0.00001; TOPMed 0.00001; gnomAD exomes 0.00004; ExAC 0.00007.
gnomAD v4.1: 56 of 1,614,060 alleles (0.0035%); highest among the groups gnomAD compares: Non-Finnish European, 0.0047%; no homozygotes.

Submissions (2):

CeGaT Center for Human Genetics Tuebingen
Classification: Likely benign. Last evaluated: 2025-06-01. Review status: criteria provided, single submitter. Criteria: CeGaT Center For Human Genetics Tuebingen Variant Classification Criteria Version 2. Collection method: clinical testing. Allele origin: germline. Affected: yes. Observed: 1 variant allele.
Comment: SH3PXD2B: BP4, BP7

Labcorp Genetics (formerly Invitae), Labcorp
Classification: Likely benign. Last evaluated: 2023-05-20. Review status: criteria provided, single submitter. Criteria: Invitae Variant Classification Sherloc (09022015). Collection method: clinical testing. Allele origin: germline.

NM_001017995.3(SH3PXD2B):c.1473T>C (p.Ser491=)

Gene: SH3PXD2B (SH3 and PX domains 2B; minus strand). Cytogenetic location: 5q35.1.
Variant type: single nucleotide variant.
Coding change: c.1473T>C on transcript NM_001017995.3 (MANE Select); coding-DNA position 1473, T replaced by C.
Protein change: p.Ser491=; no amino-acid change (serine 491 retained).
Molecular consequence: synonymous variant. On other transcripts: intron variant (1).
Genome position (GRCh38, 1-based): chr5:172,339,632, A>G on the plus strand (T>C on the coding strand, the complement: SH3PXD2B is on the minus strand). VCF-style: chr5-172339632-A-G. GRCh37 (hg19) VCF-style: chr5-171766636-A-G.
Other names: c.1188+6504T>C (NM_001308175.2).
Identifiers: ClinVar variation 1643775 (VCV001643775.18), dbSNP rs757070175, ClinGen allele CA3561176.